The following is an entry in ClinVar:

NM_006445.4(PRPF8):c.2892C>T (p.Asp964=)

Gene: PRPF8 (pre-mRNA processing factor 8; minus strand). Cytogenetic location: 17p13.3.
Variant type: single nucleotide variant.
Coding change: c.2892C>T on transcript NM_006445.4 (MANE Select); coding-DNA position 2892, C replaced by T.
Protein change: p.Asp964=; no amino-acid change (aspartic acid 964 retained).
Molecular consequence: synonymous variant.
Genome position (GRCh38, 1-based): chr17:1,675,320, G>A on the plus strand (C>T on the coding strand, the complement: PRPF8 is on the minus strand). VCF-style: chr17-1675320-G-A. GRCh37 (hg19) VCF-style: chr17-1578614-G-A.
Other names: c.2892C>T (NM_006445.3).
Identifiers: ClinVar variation 1528191 (VCV001528191.10), dbSNP rs1292462982, ClinGen allele CA497288414.
Genomic context (GRCh38, chr17:1,675,320, plus strand): 5'-CATCTTCTCAAAGCGGGATTCCAGCATGACATTGCACTCGCCTTCACTCGTCTCCCACAC[G>A]TCCTGCAGGTTATTGATGCCTGAGGAGTAGCAAGGCAGGTCTCCAGCAGGTTAGAAATCC-3'
Protein context (NP_006436.3, residues 954-974): KWCQGINNLQ[Asp964=]VWETSEGECN

ClinVar aggregate classification (germline): Likely benign. Review status: criteria provided, multiple submitters, no conflicts (2 of 4 stars). 3 submissions from 3 submitters: Likely benign (3). Last evaluated 2026-09-03.

Conditions:
PRPF8-related disorder. Also called: PRPF8-related condition.

Allele frequency attached by ClinVar (database versions not stated): TOPMed below 0.00001; gnomAD 0.00001; gnomAD exomes 0.00001.
gnomAD v4.1: 22 of 1,613,980 alleles (0.0014%); highest among the groups gnomAD compares: South Asian, 0.0022%; no homozygotes.

Submissions (3):

PreventionGenetics, part of Exact Sciences
Classification: Likely benign for PRPF8-related condition. Last evaluated: 2026-09-03. Review status: criteria provided, single submitter. Criteria: ACMG Guidelines, 2015. Collection method: clinical testing. Allele origin: germline.
Comment: This variant is classified as likely benign based on ACMG/AMP sequence variant interpretation guidelines (Richards et al. 2015 PMID: 25741868, with internal and published modifications).

Labcorp Genetics (formerly Invitae), Labcorp
Classification: Likely benign. Last evaluated: 2025-04-28. Review status: criteria provided, single submitter. Criteria: Invitae Variant Classification Sherloc (09022015). Collection method: clinical testing. Allele origin: germline.

Blueprint Genetics
Classification: Likely benign. Last evaluated: 2024-06-07. Review status: criteria provided, single submitter. Criteria: ACMG Guidelines, 2015. Collection method: clinical testing. Allele origin: germline.